The following is an entry in ClinVar:

NM_206996.4(SPAG17):c.5655G>A (p.Lys1885=)

Gene: SPAG17 (sperm associated antigen 17; minus strand). Cytogenetic location: 1p12.
Variant type: single nucleotide variant.
Coding change: c.5655G>A on transcript NM_206996.4 (MANE Select); coding-DNA position 5655, G replaced by A.
Protein change: p.Lys1885=; no amino-acid change (lysine 1885 retained).
Molecular consequence: synonymous variant.
Genome position (GRCh38, 1-based): chr1:117,987,848, C>T on the plus strand (G>A on the coding strand, the complement: SPAG17 is on the minus strand). VCF-style: chr1-117987848-C-T. GRCh37 (hg19) VCF-style: chr1-118530471-C-T.
Identifiers: ClinVar variation 3050825 (VCV003050825.2), dbSNP rs115088568, ClinGen allele CA1033037.

ClinVar aggregate classification (germline): Likely benign (0 of 4 stars; one submission).

Conditions:
SPAG17-related disorder. Also called: SPAG17-related condition.

Allele frequency attached by ClinVar (database versions not stated): ExAC 0.00136; 1000 Genomes Project 0.00339; 1000 Genomes Project 30x 0.00390; gnomAD 0.00416; ESP Exome Variant Server 0.00446; TOPMed 0.00491.
gnomAD v4.1: 1,211 of 1,612,330 alleles (0.075%); highest among the groups gnomAD compares: African/African-American, 1.4%; 12 homozygotes.

Submission:

PreventionGenetics, part of Exact Sciences
Classification: Likely benign for SPAG17-related condition. Last evaluated: 2019-02-28. Review status: no assertion criteria provided. Collection method: clinical testing. Allele origin: germline.
Comment: This variant is classified as likely benign based on ACMG/AMP sequence variant interpretation guidelines (Richards et al. 2015 PMID: 25741868, with internal and published modifications).